The following is an entry in ClinVar:

ClinVar aggregate classification (germline): Uncertain significance (1 of 4 stars; one submission).

Conditions:
Hereditary cancer-predisposing syndrome. Also called: Neoplastic Syndromes, Hereditary; Tumor predisposition; Hereditary neoplastic syndrome; Hereditary Cancer Syndrome. Identifiers: Orphanet 140162, MedGen C0027672, MeSH D009386, MONDO:0015356.
Cardiovascular phenotype. Identifiers: MedGen CN230736.

Submission:

Ambry Genetics
Classification: Uncertain significance for Cardiovascular phenotype; Hereditary cancer-predisposing syndrome. Last evaluated: 2017-12-17. Review status: criteria provided, single submitter. Criteria: Ambry Variant Classification Scheme 2023. Collection method: clinical testing. Allele origin: germline.
Comment: The c.5749+3A>G intronic variant results from an A to G substitution 3 nucleotides after coding exon 3 in the NF1 gene. This nucleotide position is highly conserved in available vertebrate species. Using the BDGP and ESEfinder splice site prediction tools, this alteration is predicted to weaken the efficiency of the native splice donor site; however, direct evidence is unavailable. Since supporting evidence is limited at this time, the clinical significance of this alteration remains unclear.

NM_001042492.3(NF1):c.5812+3A>G

Gene: NF1 (neurofibromin 1; plus strand). Cytogenetic location: 17q11.2.
Variant type: single nucleotide variant.
Coding change: c.5812+3A>G on transcript NM_001042492.3 (MANE Select); 3 bases into the intron after coding-DNA position 5812, A replaced by G.
Molecular consequence: intron variant.
Genome position (GRCh38, 1-based): chr17:31,330,501, A>G. VCF-style: chr17-31330501-A-G. GRCh37 (hg19) VCF-style: chr17-29657519-A-G.
Other names: c.5749+3A>G (NM_000267.4).
Identifiers: ClinVar variation 825937 (VCV000825937.4), dbSNP rs1597834976, ClinGen allele CA915949866.